The following is an entry in ClinVar:

ClinVar aggregate classification (germline): Benign (1 of 4 stars; one submission).

Conditions:
DICER1-related tumor predisposition. Also called: DICER1 syndrome; DICER1-related pleuropulmonary blastoma cancer predisposition syndrome. Identifiers: Orphanet 284343, MedGen C3839822, MONDO:0100216.

Submission:

Myriad Genetics, Inc.
Classification: Benign for DICER1-related tumor predisposition. Last evaluated: 2026-04-17. Review status: criteria provided, single submitter. Criteria: Myriad Autosomal Dominant, Autosomal Recessive and X-Linked Classification Criteria (2023). Collection method: clinical testing. Allele origin: unknown.
Comment: This variant is considered benign. This variant is a silent/synonymous amino acid change and it is not expected to impact splicing.

NM_177438.3(DICER1):c.3960C>T (p.Asp1320=)

Gene: DICER1 (dicer 1, ribonuclease III; minus strand). Cytogenetic location: 14q32.13.
Variant type: single nucleotide variant.
Coding change: c.3960C>T on transcript NM_177438.3 (MANE Select); coding-DNA position 3960, C replaced by T.
Protein change: p.Asp1320=; no amino-acid change (aspartic acid 1320 retained).
Molecular consequence: synonymous variant. On other transcripts: non-coding transcript variant (6).
Genome position (GRCh38, 1-based): chr14:95,103,436, G>A on the plus strand (C>T on the coding strand, the complement: DICER1 is on the minus strand). VCF-style: chr14-95103436-G-A. GRCh37 (hg19) VCF-style: chr14-95569773-G-A.
Other names: c.3960C>T, p.Asp1320= (NM_001195573.1, NM_001271282.3, NM_001291628.2 and 12 more transcripts); c.3678C>T, p.Asp1226= (NM_001395686.1); c.3555C>T, p.Asp1185= (NM_001395687.1, NM_001395688.1, NM_001395689.1 and 2 more transcripts); c.3393C>T, p.Asp1131= (NM_001395691.1); c.2277C>T, p.Asp759= (NM_001395697.1).
Identifiers: ClinVar variation 4875870 (VCV004875870.1).